The following is an entry in ClinVar:

ClinVar aggregate classification (germline): Uncertain significance (1 of 4 stars; one submission).

Conditions:
Arrhythmogenic cardiomyopathy with wooly hair and keratoderma. Also called: Arrhythmogenic cardiomyopathy with woolly hair and keratoderma; PALMOPLANTAR KERATODERMA WITH LEFT VENTRICULAR CARDIOMYOPATHY AND WOOLLY HAIR; Carvajal syndrome; Dilated cardiomyopathy with woolly hair and keratoderma. Identifiers: Orphanet 65282, MedGen C1854063, MONDO:0011581, OMIM 605676.
Arrhythmogenic right ventricular dysplasia 8 (ARVD8). Also called: Arrhythmogenic Right Ventricular Dysplasia/Cardiomyopathy 8; ARRHYTHMOGENIC RIGHT VENTRICULAR DYSPLASIA, FAMILIAL, 8; ARRHYTHMOGENIC RIGHT VENTRICULAR CARDIOMYOPATHY 8. Identifiers: MedGen C1843896, MONDO:0011831, OMIM 607450.

Submission:

Labcorp Genetics (formerly Invitae), Labcorp
Classification: Uncertain significance for Arrhythmogenic cardiomyopathy with wooly hair and keratoderma; Arrhythmogenic right ventricular dysplasia 8. Last evaluated: 2024-12-26. Review status: criteria provided, single submitter. Criteria: Invitae Variant Classification Sherloc (09022015). Collection method: clinical testing. Allele origin: germline.
Comment: This sequence change replaces arginine, which is basic and polar, with methionine, which is neutral and non-polar, at codon 199 of the DSP protein (p.Arg199Met). This variant is not present in population databases (gnomAD no frequency). This variant has not been reported in the literature in individuals affected with DSP-related conditions. ClinVar contains an entry for this variant (Variation ID: 2943254). An algorithm developed to predict the effect of missense changes on protein structure and function (PolyPhen-2) suggests that this variant is likely to be disruptive. In summary, the available evidence is currently insufficient to determine the role of this variant in disease. Therefore, it has been classified as a Variant of Uncertain Significance.

NM_004415.4(DSP):c.596G>T (p.Arg199Met)

Gene: DSP (desmoplakin; plus strand). Cytogenetic location: 6p24.3.
Variant type: single nucleotide variant.
Coding change: c.596G>T on transcript NM_004415.4 (MANE Select); coding-DNA position 596, G replaced by T.
Protein change: p.Arg199Met; replaces arginine 199 with methionine.
Molecular consequence: missense variant.
Genome position (GRCh38, 1-based): chr6:7,559,399, G>T. VCF-style: chr6-7559399-G-T. GRCh37 (hg19) VCF-style: chr6-7559632-G-T.
Other names: c.596G>T, p.Arg199Met (NM_001008844.3, NM_001319034.2, NM_001406591.1); short protein forms R199M.
Identifiers: ClinVar variation 2943254 (VCV002943254.3), dbSNP rs143648545, ClinGen allele CA362672886.